The following is an entry in ClinVar:

ClinVar aggregate classification (germline): Uncertain significance (1 of 4 stars; one submission).

Submission:

GeneDx
Classification: Uncertain significance. Last evaluated: 2023-01-31. Review status: criteria provided, single submitter. Criteria: GeneDx Variant Classification Process June 2021. Collection method: clinical testing. Allele origin: germline. Affected: yes.
Comment: Not observed at significant frequency in large population cohorts (gnomAD); In silico analysis supports that this missense variant has a deleterious effect on protein structure/function; Has not been previously published as pathogenic or benign to our knowledge

NM_006662.3(SRCAP):c.9383T>G (p.Val3128Gly)

Gene: SRCAP (Snf2 related CREBBP activator protein; plus strand). Cytogenetic location: 16p11.2.
Variant type: single nucleotide variant.
Coding change: c.9383T>G on transcript NM_006662.3 (MANE Select); coding-DNA position 9383, T replaced by G.
Protein change: p.Val3128Gly; replaces valine 3128 with glycine.
Molecular consequence: missense variant.
Genome position (GRCh38, 1-based): chr16:30,739,423, T>G. VCF-style: chr16-30739423-T-G. GRCh37 (hg19) VCF-style: chr16-30750744-T-G.
Other names: short protein forms V3128G.
Identifiers: ClinVar variation 2574247 (VCV002574247.1), dbSNP rs2543431667, ClinGen allele CA395644361.